The following is an entry in ClinVar:

NM_000213.5(ITGB4):c.5313C>T (p.Thr1771=)

Genes: GALK1 (galactokinase 1; minus strand), ITGB4 (integrin subunit beta 4; plus strand). Cytogenetic location: 17q25.1.
Variant type: single nucleotide variant.
Coding change: c.5313C>T on transcript NM_000213.5 (MANE Select); coding-DNA position 5313, C replaced by T.
Protein change: p.Thr1771=; no amino-acid change (threonine 1771 retained).
Molecular consequence: synonymous variant. On other transcripts: intron variant (1).
Genome position (GRCh38, 1-based): chr17:75,757,294, C>T. VCF-style: chr17-75757294-C-T. GRCh37 (hg19) VCF-style: chr17-73753375-C-T.
Other names: c.5262C>T, p.Thr1754= (NM_001005619.2); c.5103C>T, p.Thr1701= (NM_001005731.3, NM_001321123.2); c.4953C>T, p.Thr1651= (NM_001438834.1); c.*22+740G>A (NM_001381985.1).
Identifiers: ClinVar variation 889727 (VCV000889727.8), dbSNP rs138707718, ClinGen allele CA8770550.
Genomic context (GRCh38, chr17:75,757,294, plus strand): 5'-CTTCCAGCACCCGCTGCAAAGCGAGTACAGCAGCATCACCACCACCCACACCAGCGCCAC[C>T]GAGCCCTTCCTAGTGGGTGAGCACTGAGGGCTAGGGGATCCCGGCTCTCCTGGGACAGGG-3'
Protein context (NP_000204.3, residues 1761-1781): SSITTTHTSA[Thr1771=]EPFLVDGLTL

ClinVar aggregate classification (germline): Conflicting classifications of pathogenicity. Review status: criteria provided, conflicting classifications (1 of 4 stars). 3 submissions from 3 submitters: Uncertain significance (1); Benign (1); Likely benign (1). Last evaluated 2025-04-12.

Conditions:
ITGB4-related disorder. Also called: ITGB4-related condition.
Junctional epidermolysis bullosa with pyloric atresia. Also called: Junctional Epidermolysis Bullosa- Pyloric Atresia Syndrome; EPIDERMOLYSIS BULLOSA, JUNCTIONAL 5B, WITH PYLORIC ATRESIA; Epidermolysis bullosa, junctional, with pyloric atresia and aplasia cutis congenita; Epidermolysis bullosa junctionalis with pyloric atresia; APLASIA CUTIS CONGENITA WITH GASTROINTESTINAL ATRESIA; CARMI SYNDROME. Identifiers: Orphanet 79403, MedGen C5676875, MONDO:0009183, OMIM 226730.

Allele frequency attached by ClinVar (database versions not stated): TOPMed 0.00008; gnomAD 0.00004; gnomAD exomes 0.00006; ESP Exome Variant Server 0.00015; ExAC 0.00007.
gnomAD v4.1: 43 of 1,611,988 alleles (0.0027%); highest among the groups gnomAD compares: African/African-American, 0.0067%; no homozygotes.

Submissions (3):

PreventionGenetics, part of Exact Sciences
Classification: Likely benign for ITGB4-related condition. Last evaluated: 2025-04-12. Review status: criteria provided, single submitter. Criteria: ACMG Guidelines, 2015. Collection method: clinical testing. Allele origin: germline.
Comment: This variant is classified as likely benign based on ACMG/AMP sequence variant interpretation guidelines (Richards et al. 2015 PMID: 25741868, with internal and published modifications).

Labcorp Genetics (formerly Invitae), Labcorp
Classification: Benign. Last evaluated: 2024-02-09. Review status: criteria provided, single submitter. Criteria: Invitae Variant Classification Sherloc (09022015). Collection method: clinical testing. Allele origin: germline.

Illumina Laboratory Services, Illumina
Classification: Uncertain significance for Junctional epidermolysis bullosa with pyloric atresia. Last evaluated: 2018-01-12. Review status: criteria provided, single submitter. Criteria: ICSL Variant Classification Criteria 13 December 2019. Collection method: clinical testing. Allele origin: germline.